The following is an entry in ClinVar:

ClinVar aggregate classification (germline): Uncertain significance (1 of 4 stars; one submission).

Conditions:
Inborn genetic diseases. Identifiers: MedGen C0950123, MeSH D030342.

Allele frequency attached by ClinVar (database versions not stated): gnomAD exomes below 0.00001.

Submission:

Ambry Genetics
Classification: Uncertain significance for Inborn genetic diseases. Last evaluated: 2023-10-13. Review status: criteria provided, single submitter. Criteria: Ambry Variant Classification Scheme 2023. Collection method: clinical testing. Allele origin: germline.
Comment: The p.G257R variant (also known as c.769G>A), located in coding exon 7 of the BUB1B gene, results from a G to A substitution at nucleotide position 769. The glycine at codon 257 is replaced by arginine, an amino acid with dissimilar properties. This amino acid position is conserved. In addition, this alteration is predicted to be tolerated by in silico analysis. Since supporting evidence is limited at this time, the clinical significance of this alteration remains unclear.

NM_001211.6(BUB1B):c.769G>A (p.Gly257Arg)

Gene: BUB1B (BUB1 mitotic checkpoint serine/threonine kinase B; plus strand). Cytogenetic location: 15q15.1.
Variant type: single nucleotide variant.
Coding change: c.769G>A on transcript NM_001211.6 (MANE Select); coding-DNA position 769, G replaced by A.
Protein change: p.Gly257Arg; replaces glycine 257 with arginine.
Molecular consequence: missense variant.
Genome position (GRCh38, 1-based): chr15:40,185,182, G>A. VCF-style: chr15-40185182-G-A. GRCh37 (hg19) VCF-style: chr15-40477383-G-A.
Other names: short protein forms G257R.
Identifiers: ClinVar variation 3221445 (VCV003221445.1), dbSNP rs2542535286, ClinGen allele CA391683836.